The following is an entry in ClinVar:

ClinVar aggregate classification (germline): Pathogenic. Review status: criteria provided, multiple submitters, no conflicts (2 of 4 stars). 3 submissions from 3 submitters: Pathogenic (2). 1 of the submissions does not count toward it. Last evaluated 2023-09-12.

Conditions:
Familial cancer of breast. Also called: BREAST CANCER, FAMILIAL; Hereditary breast cancer; hereditary breast carcinoma. Identifiers: Orphanet 227535, MedGen C0346153, MONDO:0016419, OMIM 114480. Disease mechanism: loss of function.

Submissions (3):

Myriad Genetics, Inc.
Classification: Pathogenic for Familial cancer of breast. Last evaluated: 2023-09-12. Review status: criteria provided, single submitter. Criteria: Myriad Autosomal Dominant, Autosomal Recessive and X-Linked Classification Criteria (2023). Collection method: clinical testing. Allele origin: unknown.
Comment: This variant is considered pathogenic. This variant creates a termination codon and is predicted to result in premature protein truncation.

Baylor Genetics
Classification: Pathogenic for Familial cancer of breast. Last evaluated: 2022-10-27. Review status: criteria provided, single submitter. Criteria: ACMG Guidelines, 2015. Collection method: clinical testing. Allele origin: unknown.

Leiden Open Variation Database
Classification: Pathogenic. Last evaluated: 2018-10-10. Review status: no assertion criteria provided. Collection method: curation. Allele origin: germline. Affected: yes. Not counted in ClinVar's aggregate classification.
Comment: Curators: Marc Tischkowitz, Arleen D. Auerbach. Submitter to LOVD: Yukihide Momozawa.

Literature cited by the submitters: PubMed 30287823 (cited by Leiden Open Variation Database).

NM_024675.4(PALB2):c.2083A>T (p.Lys695Ter)

Gene: PALB2 (partner and localizer of BRCA2; minus strand). Cytogenetic location: 16p12.2.
Variant type: single nucleotide variant.
Coding change: c.2083A>T on transcript NM_024675.4 (MANE Select); coding-DNA position 2083, A replaced by T.
Protein change: p.Lys695Ter; replaces lysine 695 with a stop codon.
Molecular consequence: nonsense.
Genome position (GRCh38, 1-based): chr16:23,630,071, T>A on the plus strand (A>T on the coding strand, the complement: PALB2 is on the minus strand). VCF-style: chr16-23630071-T-A. GRCh37 (hg19) VCF-style: chr16-23641392-T-A.
Other names: short protein forms K695*.
Identifiers: ClinVar variation 830155 (VCV000830155.3), dbSNP rs1567218141, ClinGen allele CA395125847.